The following is an entry in ClinVar:

NM_145239.3(PRRT2):c.767T>A (p.Val256Glu)

Genes: MVP-DT (MVP divergent transcript; minus strand), PRRT2 (proline rich transmembrane protein 2; plus strand). Cytogenetic location: 16p11.2.
Variant type: single nucleotide variant.
Coding change: c.767T>A on transcript NM_145239.3 (MANE Select); coding-DNA position 767, T replaced by A.
Protein change: p.Val256Glu; replaces valine 256 with glutamic acid.
Molecular consequence: missense variant.
Genome position (GRCh38, 1-based): chr16:29,813,821, T>A. VCF-style: chr16-29813821-T-A. GRCh37 (hg19) VCF-style: chr16-29825142-T-A.
Other names: c.767T>A, p.Val256Glu (NM_001256442.2, NM_001256443.2); short protein forms V256E.
Identifiers: ClinVar variation 1007709 (VCV001007709.9), dbSNP rs1200230935, ClinGen allele CA395479614.
Genomic context (GRCh38, chr16:29,813,821, plus strand): 5'-CAGGATCTCCCCGAGGTAGCCTGAGCCGCCACCCCAGCTCCCAGTTGGCAGGTCCTGGGG[T>A]GGAGGGGGGTGAAGGCACCCAGAAACCTCGGGACTACATCATCCTTGCCATCCTGTCCTG-3'
Protein context (NP_660282.2, residues 246-266): HPSSQLAGPG[Val256Glu]EGGEGTQKPR

ClinVar aggregate classification (germline): Uncertain significance (1 of 4 stars; one submission).

Conditions:
Episodic kinesigenic dyskinesia (EKD). Also called: Paroxysmal kinesigenic dyskinesia. Identifiers: Orphanet 98809, MedGen C1868682, MONDO:0044202.

Allele frequency attached by ClinVar (database versions not stated): TOPMed below 0.00001.

Submission:

Labcorp Genetics (formerly Invitae), Labcorp
Classification: Uncertain significance for Episodic kinesigenic dyskinesia. Last evaluated: 2020-03-20. Review status: criteria provided, single submitter. Criteria: Invitae Variant Classification Sherloc (09022015). Collection method: clinical testing. Allele origin: germline.
Comment: In summary, the available evidence is currently insufficient to determine the role of this variant in disease. Therefore, it has been classified as a Variant of Uncertain Significance. Algorithms developed to predict the effect of missense changes on protein structure and function (SIFT, PolyPhen-2, Align-GVGD) all suggest that this variant is likely to be disruptive, but these predictions have not been confirmed by published functional studies and their clinical significance is uncertain. This variant has not been reported in the literature in individuals with PRRT2-related conditions. This variant is not present in population databases (ExAC no frequency). This sequence change replaces valine with glutamic acid at codon 256 of the PRRT2 protein (p.Val256Glu). The valine residue is highly conserved and there is a moderate physicochemical difference between valine and glutamic acid.